The following is an entry in ClinVar:

ClinVar aggregate classification (germline): Pathogenic (1 of 4 stars; one submission).

Submission:

Labcorp Genetics (formerly Invitae), Labcorp
Classification: Pathogenic. Last evaluated: 2024-01-11. Review status: criteria provided, single submitter. Criteria: Invitae Variant Classification Sherloc (09022015). Collection method: clinical testing. Allele origin: germline.
Comment: This sequence change creates a premature translational stop signal (p.Ser567*) in the LCA5 gene. While this is not anticipated to result in nonsense mediated decay, it is expected to disrupt the last 131 amino acid(s) of the LCA5 protein. This variant is not present in population databases (gnomAD no frequency). This variant has not been reported in the literature in individuals affected with LCA5-related conditions. Algorithms developed to predict the effect of sequence changes on RNA splicing suggest that this variant may create or strengthen a splice site. This variant disrupts a region of the LCA5 protein in which other variant(s) (p.Lys586*) have been determined to be pathogenic (PMID: 23946133, 27624628). This suggests that this is a clinically significant region of the protein, and that variants that disrupt it are likely to be disease-causing. For these reasons, this variant has been classified as Pathogenic.

Literature cited by the submitters: PubMed 23946133; PubMed 27624628.

NM_001122769.3(LCA5):c.1700C>A (p.Ser567Ter)

Gene: LCA5 (lebercilin LCA5; minus strand). Cytogenetic location: 6q14.1.
Variant type: single nucleotide variant.
Coding change: c.1700C>A on transcript NM_001122769.3 (MANE Select); coding-DNA position 1700, C replaced by A.
Protein change: p.Ser567Ter; replaces serine 567 with a stop codon.
Molecular consequence: nonsense.
Genome position (GRCh38, 1-based): chr6:79,487,398, G>T on the plus strand (C>A on the coding strand, the complement: LCA5 is on the minus strand). VCF-style: chr6-79487398-G-T. GRCh37 (hg19) VCF-style: chr6-80197115-G-T.
Other names: c.1700C>A, p.Ser567Ter (NM_181714.4); short protein forms S567*.
Identifiers: ClinVar variation 2708897 (VCV002708897.3), dbSNP rs2533368650, ClinGen allele CA364639062.